The following is an entry in ClinVar:

NM_006947.4(SRP72):c.1991A>C (p.Lys664Thr)

Gene: SRP72 (signal recognition particle 72; plus strand). Cytogenetic location: 4q12.
Variant type: single nucleotide variant.
Coding change: c.1991A>C on transcript NM_006947.4 (MANE Select); coding-DNA position 1991, A replaced by C.
Protein change: p.Lys664Thr; replaces lysine 664 with threonine.
Molecular consequence: missense variant. On other transcripts: non-coding transcript variant (1).
Genome position (GRCh38, 1-based): chr4:56,501,836, A>C. VCF-style: chr4-56501836-A-C. GRCh37 (hg19) VCF-style: chr4-57368002-A-C.
Other names: c.1808A>C, p.Lys603Thr (NM_001267722.2); short protein forms K603T, K664T.
Identifiers: ClinVar variation 3449439 (VCV003449439.1).

ClinVar aggregate classification (germline): Uncertain significance (1 of 4 stars; one submission).

gnomAD v4.1: 1 of 1,614,172 alleles (0.000062%); highest among the groups gnomAD compares: South Asian, 0.0011%; no homozygotes.

Submission:

Ambry Genetics
Classification: Uncertain significance. Last evaluated: 2024-12-10. Review status: criteria provided, single submitter. Criteria: Ambry Variant Classification Scheme 2023. Collection method: clinical testing. Allele origin: germline.
Comment: The p.K664T variant (also known as c.1991A>C), located in coding exon 19 of the SRP72 gene, results from an A to C substitution at nucleotide position 1991. The lysine at codon 664 is replaced by threonine, an amino acid with similar properties. This amino acid position is conserved. In addition, the in silico prediction for this alteration is inconclusive. Based on the available evidence, the clinical significance of this variant remains unclear.